The following is an entry in ClinVar:

ClinVar aggregate classification (germline): Likely benign (0 of 4 stars; one submission).

Conditions:
SEMA3A-related disorder. Also called: SEMA3A-related condition.

Submission:

PreventionGenetics, part of Exact Sciences
Classification: Likely benign for SEMA3A-related condition. Last evaluated: 2024-05-10. Review status: no assertion criteria provided. Collection method: clinical testing. Allele origin: germline.
Comment: This variant is classified as likely benign based on ACMG/AMP sequence variant interpretation guidelines (Richards et al. 2015 PMID: 25741868, with internal and published modifications).

NM_006080.3(SEMA3A):c.995+5_995+8del

Gene: SEMA3A (semaphorin 3A; minus strand). Cytogenetic location: 7q21.11.
Variant type: Microsatellite.
Coding change: c.995+5_995+8del on transcript NM_006080.3 (MANE Select); bases 5 to 8 of the intron after coding-DNA position 995, 4 bases deleted (GTAA; older notation c.995+5_995+8delGTAA).
Molecular consequence: splice donor variant.
Genome position (GRCh38, 1-based): chr7:84,011,014-84,011,017, TTAC deleted on the plus strand (GTAA on the coding strand, the reverse complement: SEMA3A is on the minus strand); deleting any 4 consecutive bases within chr7:84,011,014-84,011,021 gives the same sequence; the c. name uses the placement nearest the transcript's 3' end. VCF-style (leftmost placement, unchanged base first): chr7-84011013-GTTAC-G. GRCh37 (hg19) VCF-style: chr7-83640329-GTTAC-G.
Identifiers: ClinVar variation 3345422 (VCV003345422.1).